The following is an entry in ClinVar:

NM_020919.4(ALS2):c.269G>A (p.Gly90Glu)

Gene: ALS2 (alsin Rho guanine nucleotide exchange factor ALS2; minus strand). Cytogenetic location: 2q33.1.
Variant type: single nucleotide variant.
Coding change: c.269G>A on transcript NM_020919.4 (MANE Select); coding-DNA position 269, G replaced by A.
Protein change: p.Gly90Glu; replaces glycine 90 with glutamic acid.
Molecular consequence: missense variant.
Genome position (GRCh38, 1-based): chr2:201,761,725, C>T on the plus strand (G>A on the coding strand, the complement: ALS2 is on the minus strand). VCF-style: chr2-201761725-C-T. GRCh37 (hg19) VCF-style: chr2-202626448-C-T.
Other names: c.269G>A, p.Gly90Glu (NM_001135745.2); short protein forms G90E.
Identifiers: ClinVar variation 948302 (VCV000948302.9), dbSNP rs374117082, ClinGen allele CA2058680.

ClinVar aggregate classification (germline): Uncertain significance. Review status: criteria provided, multiple submitters, no conflicts (2 of 4 stars). 2 submissions from 2 submitters: Uncertain significance (2). Last evaluated 2024-08-01.

Conditions:
Infantile-onset ascending hereditary spastic paralysis (IAHSP). Also called: Autosomal Recessive Juvenile Amyotrophic Lateral Sclerosis; Infantile-Onset Ascending Hereditary Spastic Paralysis (IAHSP). Identifiers: Orphanet 293168, MedGen C2931441, MONDO:0011797, OMIM 607225. Disease mechanism: loss of function.
Inborn genetic diseases. Identifiers: MedGen C0950123, MeSH D030342.

Allele frequency attached by ClinVar (database versions not stated): gnomAD exomes below 0.00001 and 0.00002; ExAC 0.00001; TOPMed 0.00001; gnomAD 0.00002; ESP Exome Variant Server 0.00008.

Submissions (2):

Ambry Genetics
Classification: Uncertain significance for Inborn genetic diseases. Last evaluated: 2024-08-01. Review status: criteria provided, single submitter. Criteria: Ambry Variant Classification Scheme 2023. Collection method: clinical testing. Allele origin: germline.

Labcorp Genetics (formerly Invitae), Labcorp
Classification: Uncertain significance for Infantile-onset ascending hereditary spastic paralysis. Last evaluated: 2024-04-25. Review status: criteria provided, single submitter. Criteria: Invitae Variant Classification Sherloc (09022015). Collection method: clinical testing. Allele origin: germline.
Comment: This sequence change replaces glycine, which is neutral and non-polar, with glutamic acid, which is acidic and polar, at codon 90 of the ALS2 protein (p.Gly90Glu). This variant is present in population databases (rs374117082, gnomAD 0.003%). This variant has not been reported in the literature in individuals affected with ALS2-related conditions. ClinVar contains an entry for this variant (Variation ID: 948302). Advanced modeling of protein sequence and biophysical properties (such as structural, functional, and spatial information, amino acid conservation, physicochemical variation, residue mobility, and thermodynamic stability) performed at Invitae indicates that this missense variant is not expected to disrupt ALS2 protein function with a negative predictive value of 80%. In summary, the available evidence is currently insufficient to determine the role of this variant in disease. Therefore, it has been classified as a Variant of Uncertain Significance.